The following is an entry in ClinVar:

NM_145038.5(DRC1):c.1452G>A (p.Pro484=)

Gene: DRC1 (dynein regulatory complex subunit 1; plus strand). Cytogenetic location: 2p23.3.
Variant type: single nucleotide variant.
Coding change: c.1452G>A on transcript NM_145038.5 (MANE Select); coding-DNA position 1452, G replaced by A.
Protein change: p.Pro484=; no amino-acid change (proline 484 retained).
Molecular consequence: synonymous variant.
Genome position (GRCh38, 1-based): chr2:26,448,746, G>A. VCF-style: chr2-26448746-G-A. GRCh37 (hg19) VCF-style: chr2-26671614-G-A.
Other names: c.1452G>A (NM_145038.4).
Identifiers: ClinVar variation 1155947 (VCV001155947.11), dbSNP rs1417232935, ClinGen allele CA425204584.
Genomic context (GRCh38, chr2:26,448,746, plus strand): 5'-TGCAGAAGAGGAGGAGGCAGAAGAGGCCGCCGCGGAACCAGAGTCCTACCTGGATTTGCC[G>A]AAGCAAATTTCTGAAAAAACTACCAAGAGGATCCTGATGCTCCTGTGTGACGAGTCGGTG-3'
Protein context (NP_659475.2, residues 474-494): AAEPESYLDL[Pro484=]KQISEKTTKR

ClinVar aggregate classification (germline): Likely benign. Review status: criteria provided, multiple submitters, no conflicts (2 of 4 stars). 3 submissions from 3 submitters: Likely benign (3). Last evaluated 2025-12-19.

Conditions:
Primary ciliary dyskinesia. Also called: Ciliary dyskinesia. Identifiers: Orphanet 244, MedGen C0008780, MONDO:0016575, HP:0012265.
DRC1-related disorder. Also called: DRC1-related condition.

Allele frequency attached by ClinVar (database versions not stated): TOPMed 0.00001.
gnomAD v4.1: 34 of 1,614,220 alleles (0.0021%); highest among the groups gnomAD compares: African/African-American, 0.008%; 1 homozygote.

Submissions (3):

PreventionGenetics, part of Exact Sciences
Classification: Likely benign for DRC1-related condition. Last evaluated: 2025-12-19. Review status: criteria provided, single submitter. Criteria: ACMG Guidelines, 2015. Collection method: clinical testing. Allele origin: germline.
Comment: This variant is classified as likely benign based on ACMG/AMP sequence variant interpretation guidelines (Richards et al. 2015 PMID: 25741868, with internal and published modifications).

Labcorp Genetics (formerly Invitae), Labcorp
Classification: Likely benign for Primary ciliary dyskinesia. Last evaluated: 2025-06-03. Review status: criteria provided, single submitter. Criteria: Invitae Variant Classification Sherloc (09022015). Collection method: clinical testing. Allele origin: germline.

Blueprint Genetics
Classification: Likely benign. Last evaluated: 2024-01-15. Review status: criteria provided, single submitter. Criteria: ACMG Guidelines, 2015. Collection method: clinical testing. Allele origin: germline.